The following is an entry in ClinVar:

ClinVar aggregate classification (germline): Uncertain significance (1 of 4 stars; one submission).

Allele frequency attached by ClinVar (database versions not stated): gnomAD exomes below 0.00001; TOPMed below 0.00001; gnomAD 0.00001.
gnomAD v4.1: 2 of 1,613,968 alleles (0.00012%); highest among the groups gnomAD compares: Non-Finnish European, 0.00017%; no homozygotes.

Submission:

Labcorp Genetics (formerly Invitae), Labcorp
Classification: Uncertain significance. Last evaluated: 2021-07-18. Review status: criteria provided, single submitter. Criteria: Invitae Variant Classification Sherloc (09022015). Collection method: clinical testing. Allele origin: germline.
Comment: This variant is not present in population databases (ExAC no frequency). This sequence change replaces glutamic acid with lysine at codon 665 of the TOPORS protein (p.Glu665Lys). The glutamic acid residue is moderately conserved and there is a small physicochemical difference between glutamic acid and lysine. This variant has not been reported in the literature in individuals affected with TOPORS-related conditions. Algorithms developed to predict the effect of missense changes on protein structure and function are either unavailable or do not agree on the potential impact of this missense change (SIFT: "Tolerated"; PolyPhen-2: "Not Available"; Align-GVGD: "Class C0"). In summary, the available evidence is currently insufficient to determine the role of this variant in disease. Therefore, it has been classified as a Variant of Uncertain Significance.

NM_005802.5(TOPORS):c.1993G>A (p.Glu665Lys)

Gene: TOPORS (TOP1 binding arginine/serine rich protein, E3 ubiquitin ligase; minus strand). Cytogenetic location: 9p21.1.
Variant type: single nucleotide variant.
Coding change: c.1993G>A on transcript NM_005802.5 (MANE Select); coding-DNA position 1993, G replaced by A.
Protein change: p.Glu665Lys; replaces glutamic acid 665 with lysine.
Molecular consequence: missense variant.
Genome position (GRCh38, 1-based): chr9:32,542,532, C>T on the plus strand (G>A on the coding strand, the complement: TOPORS is on the minus strand). VCF-style: chr9-32542532-C-T. GRCh37 (hg19) VCF-style: chr9-32542530-C-T.
Other names: c.1798G>A, p.Glu600Lys (NM_001195622.2); short protein forms E600K, E665K.
Identifiers: ClinVar variation 1476361 (VCV001476361.8), dbSNP rs1821082257, ClinGen allele CA373166906.